The following is an entry in ClinVar:

ClinVar aggregate classification (germline): Uncertain significance (1 of 4 stars; one submission).

Conditions:
Catecholaminergic polymorphic ventricular tachycardia (CVPT). Also called: Catecholamine-induced polymorphic ventricular tachycardia. Identifiers: Orphanet 3286, MedGen C5574922, MONDO:0017990.

Submission:

All of Us Research Program, National Institutes of Health
Classification: Uncertain significance for Catecholaminergic polymorphic ventricular tachycardia. Last evaluated: 2023-11-30. Review status: criteria provided, single submitter. Criteria: ACMG Guidelines, 2015. Collection method: clinical testing. Allele origin: germline. Inheritance: Autosomal dominant inheritance. Observed: 1 variant allele, 1 heterozygote.
Comment: This study involves interpretation of variants in research participants for the purpose of population health screening. Participant phenotype was not available at the time of variant classification. Additional details can be found in publication PMID: 35346344, PMCID: PMC8962531

NM_001035.3(RYR2):c.6431G>T (p.Arg2144Leu)

Gene: RYR2 (ryanodine receptor 2; plus strand). Cytogenetic location: 1q43.
Variant type: single nucleotide variant.
Coding change: c.6431G>T on transcript NM_001035.3 (MANE Select); coding-DNA position 6431, G replaced by T.
Protein change: p.Arg2144Leu; replaces arginine 2144 with leucine.
Molecular consequence: missense variant.
Genome position (GRCh38, 1-based): chr1:237,628,071, G>T. VCF-style: chr1-237628071-G-T. GRCh37 (hg19) VCF-style: chr1-237791371-G-T.
Other names: short protein forms R2144L.
Identifiers: ClinVar variation 3073875 (VCV003073875.1), dbSNP rs1243083109, ClinGen allele CA345411539.
Genomic context (GRCh38, chr1:237,628,071, plus strand): 5'-GTCAGATTCGGTCCCTGCTGAGTGTGAGAATGGGCAAAGAAGAAGAGAAGCTCATGATTC[G>T]TGGATTAGGGTAAATTATTTAACTACTACAACCCTTTGTCTCGTAAATGTTTTCTAATTG-3'
Protein context (NP_001026.2, residues 2134-2154): MGKEEEKLMI[Arg2144Leu]GLGDIMNNKV